The following is an entry in ClinVar:

ClinVar aggregate classification (germline): Benign/Likely benign. Review status: criteria provided, multiple submitters, no conflicts (2 of 4 stars). 2 submissions from 2 submitters: Benign (1); Likely benign (1). Last evaluated 2025-09-05.

Conditions:
Hyperalphalipoproteinemia 1 (HALP1). Also called: CETP-Related Hyperalphalipoproteinemia; CETP DEFICIENCY. Identifiers: MedGen C3149462, OMIM 143470.

Allele frequency attached by ClinVar (database versions not stated): ExAC 0.00013; gnomAD exomes 0.00013 and 0.00037; gnomAD 0.00019 and 0.00021; TOPMed 0.00030; ESP Exome Variant Server 0.00077.
gnomAD v4.1: 602 of 1,613,734 alleles (0.037%); highest among the groups gnomAD compares: Non-Finnish European, 0.046%; no homozygotes.

Submissions (2):

Labcorp Genetics (formerly Invitae), Labcorp
Classification: Likely benign. Last evaluated: 2025-09-05. Review status: criteria provided, single submitter. Criteria: Invitae Variant Classification Sherloc (09022015). Collection method: clinical testing. Allele origin: germline.

Illumina Laboratory Services, Illumina
Classification: Benign for Hyperalphalipoproteinemia 1. Last evaluated: 2018-01-12. Review status: criteria provided, single submitter. Criteria: ICSL Variant Classification Criteria 13 December 2019. Collection method: clinical testing. Allele origin: germline.
Comment: This variant was observed in the ICSL laboratory as part of a predisposition screen in an ostensibly healthy population. It had not been previously curated by ICSL or reported in the Human Gene Mutation Database (HGMD: prior to June 1st, 2018), and was therefore a candidate for classification through an automated scoring system. Utilizing variant allele frequency, disease prevalence and penetrance estimates, and inheritance mode, an automated score was calculated to assess if this variant is too frequent to cause the disease. Based on the score and internal cut-off values, a variant classified as benign is not then subjected to further curation. The score for this variant resulted in a classification of benign for this disease.

NM_000078.3(CETP):c.598-13C>G

Genes: CETP (cholesteryl ester transfer protein; plus strand), LOC130059064 (ATAC-STARR-seq lymphoblastoid active region 10867; plus strand). Cytogenetic location: 16q13.
Variant type: single nucleotide variant.
Coding change: c.598-13C>G on transcript NM_000078.3 (MANE Select); 13 bases into the intron before coding-DNA position 598, C replaced by G.
Molecular consequence: intron variant.
Genome position (GRCh38, 1-based): chr16:56,971,308, C>G. VCF-style: chr16-56971308-C-G. GRCh37 (hg19) VCF-style: chr16-57005220-C-G.
Other names: c.598-13C>G (NM_001286085.2).
Identifiers: ClinVar variation 886618 (VCV000886618.11), dbSNP rs201267603, ClinGen allele CA8071005.
Genomic context (GRCh38, chr16:56,971,308, plus strand): 5'-CCACGCAGCTGGAAGGAGGCACTGCCTCTGGCCTCCTTTCCTGCCTGGAAAGCACCTGCT[C>G]TGTCTGCCCCAGATCTGCAAAGAGATCAACGTCATCTCTAACATCATGGCCGATTTTGTC-3'